The following is an entry in ClinVar:

ClinVar aggregate classification (germline): Likely pathogenic. Review status: criteria provided, multiple submitters, no conflicts (2 of 4 stars). 3 submissions from 3 submitters: Likely pathogenic (3). Last evaluated 2025-12-12.

Conditions:
Congenital myotonia, autosomal recessive form. Also called: BECKER DISEASE; Becker Generalized Myotonia; myotonia congenita, autosomal recessive. Identifiers: Orphanet 614, MedGen C0751360, MONDO:0009715, OMIM 255700.

Submissions (3):

Variantyx, Inc.
Classification: Likely pathogenic for Congenital myotonia, autosomal recessive form. Last evaluated: 2025-12-12. Review status: criteria provided, single submitter. Criteria: Variantyx Assertion Criteria 2022. Collection method: clinical testing. Allele origin: germline. Inheritance: Autosomal recessive inheritance. Affected: yes.
Comment: This is a nonsynonymous variant in the CLCN1 gene (OMIM: 118425). Pathogenic variants in this gene have been associated with autosomal recessive myotonia congenita. This variant has been identified in the homozygous or compound heterozygous state in at least one individual reported in the published literature (PMID: 23739125) (PM3). It lies within a known hotspot for pathogenic variants or a well-established critical functional domain of the CLCN1 protein (PMID: 12661046, 23483815, 15241802) (PM1). Multiple computational algorithms predict a deleterious effect for this variant (REVEL score: 0.871) (PP3), and it is absent from control populations (PM2). Based on the current evidence, this variant is classified as likely pathogenic for autosomal recessive myotonia congenita.

GeneDx
Classification: Likely pathogenic. Last evaluated: 2023-08-08. Review status: criteria provided, single submitter. Criteria: GeneDx Variant Classification Process June 2021. Collection method: clinical testing. Allele origin: germline. Affected: yes.
Comment: Not observed at significant frequency in large population cohorts (gnomAD); In silico analysis supports that this missense variant has a deleterious effect on protein structure/function; This variant is associated with the following publications: (PMID: 23739125)

Athena Diagnostics
Classification: Likely pathogenic. Last evaluated: 2017-09-20. Review status: criteria provided, single submitter. Criteria: Athena Diagnostics Criteria. Collection method: clinical testing. Allele origin: germline.

Literature cited by the submitters: PubMed 23739125 (cited by Variantyx, Inc. and Athena Diagnostics); PubMed 12661046 (cited by Variantyx, Inc.); PubMed 23483815 (cited by Variantyx, Inc.); PubMed 15241802 (cited by Variantyx, Inc.).

NM_000083.3(CLCN1):c.563G>C (p.Gly188Ala)

Gene: CLCN1 (chloride voltage-gated channel 1; plus strand). Cytogenetic location: 7q34.
Variant type: single nucleotide variant.
Coding change: c.563G>C on transcript NM_000083.3 (MANE Select); coding-DNA position 563, G replaced by C.
Protein change: p.Gly188Ala; replaces glycine 188 with alanine.
Molecular consequence: missense variant. On other transcripts: non-coding transcript variant (1).
Genome position (GRCh38, 1-based): chr7:143,321,715, G>C. VCF-style: chr7-143321715-G-C. GRCh37 (hg19) VCF-style: chr7-143018808-G-C.
Other names: short protein forms G188A.
Identifiers: ClinVar variation 585691 (VCV000585691.5), dbSNP rs1554434857, ClinGen allele CA369684214.